The following is an entry in ClinVar:

NM_000038.6(APC):c.1886T>G (p.Leu629Ter)

Gene: APC (APC regulator of Wnt signaling pathway; plus strand). Cytogenetic location: 5q22.2.
Variant type: single nucleotide variant.
Coding change: c.1886T>G on transcript NM_000038.6 (MANE Select); coding-DNA position 1886, T replaced by G.
Protein change: p.Leu629Ter; replaces leucine 629 with a stop codon.
Molecular consequence: nonsense.
Genome position (GRCh38, 1-based): chr5:112,835,093, T>G. VCF-style: chr5-112835093-T-G. GRCh37 (hg19) VCF-style: chr5-112170790-T-G.
Other names: c.1886T>G, p.Leu629Ter (NM_001127510.3, NM_001354895.2); c.1832T>G, p.Leu611Ter (NM_001127511.3); c.1940T>G, p.Leu647Ter (NM_001354896.2); c.1916T>G, p.Leu639Ter (NM_001354897.2); c.1811T>G, p.Leu604Ter (NM_001354898.2); c.1802T>G, p.Leu601Ter (NM_001354899.2); c.1763T>G, p.Leu588Ter (NM_001354900.2); c.1709T>G, p.Leu570Ter (NM_001354901.2); and 5 more; short protein forms L611*, L629*, L346*, L503*, L528*, L647*, L469*, L639*.
Identifiers: ClinVar variation 429049 (VCV000429049.6), dbSNP rs1019221239, ClinGen allele CA16025443.

ClinVar aggregate classification (germline): Pathogenic. Review status: criteria provided, multiple submitters, no conflicts (2 of 4 stars). 3 submissions from 3 submitters: Pathogenic (2). 1 of the submissions does not count toward it. Last evaluated 2023-05-03.

Conditions:
Hereditary cancer-predisposing syndrome. Also called: Hereditary neoplastic syndrome; Hereditary Cancer Syndrome; Tumor predisposition; Neoplastic Syndromes, Hereditary. Identifiers: Orphanet 140162, MedGen C0027672, MeSH D009386, MONDO:0015356.
Familial adenomatous polyposis 1 (FAP1). Also called: FAMILIAL ADENOMATOUS POLYPOSIS 1, ATTENUATED; POLYPOSIS, ADENOMATOUS INTESTINAL. Identifiers: MedGen C2713442, MONDO:0021056, OMIM 175100. Disease mechanism: loss of function.
Carcinoma of colon (CRC). Also called: Colon carcinoma; Colonic carcinoma. Identifiers: MedGen C0699790, MONDO:0002032.

Submissions (3):

Myriad Genetics, Inc.
Classification: Pathogenic for Familial adenomatous polyposis 1. Last evaluated: 2023-05-03. Review status: criteria provided, single submitter. Criteria: Myriad Autosomal Dominant, Autosomal Recessive and X-Linked Classification Criteria (2023). Collection method: clinical testing. Allele origin: unknown.
Comment: This variant is considered pathogenic. This variant creates a termination codon and is predicted to result in premature protein truncation.

Ambry Genetics
Classification: Pathogenic for Hereditary cancer-predisposing syndrome. Last evaluated: 2014-01-20. Review status: criteria provided, single submitter. Criteria: Ambry Autosomal Dominant and X-Linked criteria (10/2015). Collection method: clinical testing. Allele origin: germline. Observed: 1 variant allele.
Comment: Ã¢â‚¬â€¹The p.L629* pathogenic mutation (also known as c.1886T>G), located in coding exon 14 of the APC gene, results from a T to G substitution at nucleotide position 1886. This changes the amino acid from a leucine to a stop codon within coding exon 14. This mutation was previously reported in an Italian polyposis family (Gismondi, V et al. Hum Mutat. 1997;9(4):370-3). In addition to the clinical data presented in the literature, since premature stop codons are typically deleterious in nature, this alteration is interpreted as a disease-causing mutation (ACMG Recommendations for Standards for Interpretation and Reporting of Sequence Variations. Revision 2007. Genet Med. 2008;10:294).

Department of Pathology and Laboratory Medicine, Sinai Health System
Classification: Pathogenic for Carcinoma of colon. Review status: no assertion criteria provided. Collection method: clinical testing. Allele origin: unknown. Affected: yes. Observed: 1 variant allele. Study: The Canadian Open Genetics Repository (COGR). Not counted in ClinVar's aggregate classification.
Comment: The APC p.Leu629X variant was identified in 1 of 132 proband chromosomes (frequency: 0.008) from individuals or families with FAP (Jarry 2011). The variant was also identified in InSiGHT Colon Cancer Gene Variant Database (LOVD), and UMD (1x with a â€šÃ„Ãºcausalâ€šÃ„Ã¹ classification). The variant was not found in dbSNP, Clinvitae database, COSMIC, Zhejiang Colon Cancer Database (LOVD), ClinVar database, or GeneInsight - COGR database. The p.Leu629X variant leads to a premature stop codon at position 629, which is predicted to lead to a truncated or absent protein and loss of function. Loss of function variants of the APC gene are an established mechanism of disease in familial adenomatous polyposis and is the type of variant expected to cause the disorder. In summary, based on the above information, this variant meets our laboratoryâ€šÃ„Ã´s criteria to be classified as pathogenic.